The following is an entry in ClinVar:

NM_016138.5(COQ7):c.524G>A (p.Arg175Gln)

Gene: COQ7 (coenzyme Q7, hydroxylase; plus strand). Cytogenetic location: 16p12.3.
Variant type: single nucleotide variant.
Coding change: c.524G>A on transcript NM_016138.5 (MANE Select); coding-DNA position 524, G replaced by A.
Protein change: p.Arg175Gln; replaces arginine 175 with glutamine.
Molecular consequence: missense variant. On other transcripts: non-coding transcript variant (3), intron variant (3).
Genome position (GRCh38, 1-based): chr16:19,077,322, G>A. VCF-style: chr16-19077322-G-A. GRCh37 (hg19) VCF-style: chr16-19088644-G-A.
Other names: c.410G>A, p.Arg137Gln (NM_001190983.2, NM_001370492.1, NM_001370493.1 and 1 more transcripts); c.482G>A, p.Arg161Gln (NM_001370489.1); c.508-759G>A (NM_001370490.1); c.394-759G>A (NM_001370495.1); c.466-759G>A (NM_001370491.1); short protein forms R137Q, R161Q, R175Q.
Identifiers: ClinVar variation 1420833 (VCV001420833.5), dbSNP rs771281208, ClinGen allele CA7933064.

ClinVar aggregate classification (germline): Uncertain significance (1 of 4 stars; one submission).

Allele frequency attached by ClinVar (database versions not stated): gnomAD 0.00002 and 0.00003; TOPMed 0.00002; ExAC 0.00001; gnomAD exomes 0.00001.

Submission:

Labcorp Genetics (formerly Invitae), Labcorp
Classification: Uncertain significance. Last evaluated: 2022-08-01. Review status: criteria provided, single submitter. Criteria: Invitae Variant Classification Sherloc (09022015). Collection method: clinical testing. Allele origin: germline.
Comment: This sequence change replaces arginine, which is basic and polar, with glutamine, which is neutral and polar, at codon 175 of the COQ7 protein (p.Arg175Gln). This variant is present in population databases (rs771281208, gnomAD 0.003%). This variant has not been reported in the literature in individuals affected with COQ7-related conditions. ClinVar contains an entry for this variant (Variation ID: 1420833). Algorithms developed to predict the effect of missense changes on protein structure and function (SIFT, PolyPhen-2, Align-GVGD) all suggest that this variant is likely to be disruptive. In summary, the available evidence is currently insufficient to determine the role of this variant in disease. Therefore, it has been classified as a Variant of Uncertain Significance.